The following is an entry in ClinVar:

ClinVar aggregate classification (germline): Uncertain significance (1 of 4 stars; one submission).

Conditions:
Inborn genetic diseases. Identifiers: MedGen C0950123, MeSH D030342.

gnomAD v4.1: 27 of 1,612,796 alleles (0.0017%); highest among the groups gnomAD compares: Non-Finnish European, 0.0022%; no homozygotes.

Submission:

Ambry Genetics
Classification: Uncertain significance for Inborn genetic diseases. Last evaluated: 2024-11-18. Review status: criteria provided, single submitter. Criteria: Ambry Variant Classification Scheme 2023. Collection method: clinical testing. Allele origin: germline.
Comment: The p.G853E variant (also known as c.2558G>A), located in coding exon 9 of the MECOM gene, results from a G to A substitution at nucleotide position 2558. The glycine at codon 853 is replaced by glutamic acid, an amino acid with similar properties. This amino acid position is conserved. In addition, the in silico prediction for this alteration is inconclusive. Based on the available evidence, the clinical significance of this variant remains unclear.

NM_004991.4(MECOM):c.2558G>A (p.Gly853Glu)

Gene: MECOM (MDS1 and EVI1 complex locus; minus strand). Cytogenetic location: 3q26.2.
Variant type: single nucleotide variant.
Coding change: c.2558G>A on transcript NM_004991.4 (MANE Select); coding-DNA position 2558, G replaced by A.
Protein change: p.Gly853Glu; replaces glycine 853 with glutamic acid.
Molecular consequence: missense variant.
Genome position (GRCh38, 1-based): chr3:169,112,806, C>T on the plus strand (G>A on the coding strand, the complement: MECOM is on the minus strand). VCF-style: chr3-169112806-C-T. GRCh37 (hg19) VCF-style: chr3-168830594-C-T.
Other names: c.2189G>A, p.Gly730Glu (NM_001105077.4); c.1994G>A, p.Gly665Glu (NM_001105078.4, NM_001164000.2, NM_001205194.2 and 4 more transcripts); c.1997G>A, p.Gly666Glu (NM_001163999.2, NM_001366467.2, NM_001366468.2 and 1 more transcripts); c.2558G>A, p.Gly853Glu (NM_001366466.2); c.1586G>A, p.Gly529Glu (NM_001366473.2); c.1022G>A, p.Gly341Glu (NM_001366474.2); short protein forms G665E, G666E, G341E, G730E, G529E, G853E.
Identifiers: ClinVar variation 3394256 (VCV003394256.1).